The following is an entry in ClinVar:

ClinVar aggregate classification (germline): Uncertain significance. Review status: criteria provided, multiple submitters, no conflicts (2 of 4 stars). 2 submissions from 2 submitters: Uncertain significance (2). Last evaluated 2021-11-07.

Conditions:
Mucopolysaccharidosis, MPS-III-A (MPS3A). Also called: Mucopolysaccharidosis, type IIIA; MPS IIIA (Sanfilippo Syndrome Type A); MPS III A; SANFILIPPO SYNDROME A; SULFAMIDASE DEFICIENCY; Mucopolysaccharidosis type IIIA (Sanfilippo A). Identifiers: Orphanet 581, Orphanet 79269, MedGen C0086647, MONDO:0009655, OMIM 252900.

Allele frequency attached by ClinVar (database versions not stated): TOPMed 0.00002; gnomAD 0.00002.

Submissions (2):

Genome-Nilou Lab
Classification: Uncertain significance for Mucopolysaccharidosis, MPS-III-A. Last evaluated: 2021-11-07. Review status: criteria provided, single submitter. Criteria: ACMG Guidelines, 2015. Collection method: clinical testing. Allele origin: germline. Affected: no.

Labcorp Genetics (formerly Invitae), Labcorp
Classification: Uncertain significance for Mucopolysaccharidosis, MPS-III-A. Last evaluated: 2018-12-03. Review status: criteria provided, single submitter. Criteria: Invitae Variant Classification Sherloc (09022015). Collection method: clinical testing. Allele origin: germline.
Comment: In summary, the available evidence is currently insufficient to determine the role of this variant in disease. Therefore, it has been classified as a Variant of Uncertain Significance. This variant is not present in population databases (ExAC no frequency). This sequence change replaces alanine with aspartic acid at codon 176 of the SGSH protein (p.Ala176Asp). The alanine residue is highly conserved and there is a moderate physicochemical difference between alanine and aspartic acid. This variant has not been reported in the literature in individuals with SGSH-related conditions. Algorithms developed to predict the effect of missense changes on protein structure and function are either unavailable or do not agree on the potential impact of this missense change (SIFT: "Deleterious"; PolyPhen-2: "Probably Damaging"; Align-GVGD: "Class C0").

NM_000199.5(SGSH):c.527C>A (p.Ala176Asp)

Gene: SGSH (N-sulfoglucosamine sulfohydrolase; minus strand). Cytogenetic location: 17q25.3.
Variant type: single nucleotide variant.
Coding change: c.527C>A on transcript NM_000199.5 (MANE Select); coding-DNA position 527, C replaced by A.
Protein change: p.Ala176Asp; replaces alanine 176 with aspartic acid.
Molecular consequence: missense variant. On other transcripts: non-coding transcript variant (1).
Genome position (GRCh38, 1-based): chr17:80,214,308, G>T on the plus strand (C>A on the coding strand, the complement: SGSH is on the minus strand). VCF-style: chr17-80214308-G-T. GRCh37 (hg19) VCF-style: chr17-78188107-G-T.
Other names: c.527C>A, p.Ala176Asp (NM_001352921.3, NM_001352922.2); short protein forms A176D.
Identifiers: ClinVar variation 648615 (VCV000648615.10), dbSNP rs760996554, ClinGen allele CA401362274.